The following is an entry in ClinVar:

NM_020937.4(FANCM):c.2509G>T (p.Ala837Ser)

Gene: FANCM (FA complementation group M; plus strand). Cytogenetic location: 14q21.2.
Variant type: single nucleotide variant.
Coding change: c.2509G>T on transcript NM_020937.4 (MANE Select); coding-DNA position 2509, G replaced by T.
Protein change: p.Ala837Ser; replaces alanine 837 with serine.
Molecular consequence: missense variant.
Genome position (GRCh38, 1-based): chr14:45,175,263, G>T. VCF-style: chr14-45175263-G-T. GRCh37 (hg19) VCF-style: chr14-45644466-G-T.
Other names: c.2431G>T, p.Ala811Ser (NM_001308133.2); short protein forms A837S, A811S.
Identifiers: ClinVar variation 4619453 (VCV004619453.1).

ClinVar aggregate classification (germline): Uncertain significance (1 of 4 stars; one submission).

Conditions:
Inborn genetic diseases. Identifiers: MedGen C0950123, MeSH D030342.

Submission:

Ambry Genetics
Classification: Uncertain significance for Inborn genetic diseases. Last evaluated: 2025-09-26. Review status: criteria provided, single submitter. Criteria: Ambry Variant Classification Scheme 2023. Collection method: clinical testing. Allele origin: germline.
Comment: The p.A837S variant (also known as c.2509G>T), located in coding exon 14 of the FANCM gene, results from a G to T substitution at nucleotide position 2509. The alanine at codon 837 is replaced by serine, an amino acid with similar properties. This amino acid position is conserved. In addition, this alteration is predicted to be tolerated by in silico analysis. Based on the available evidence, the clinical significance of this variant remains unclear.